The following is an entry in ClinVar:

ClinVar aggregate classification (germline): Likely benign (1 of 4 stars; one submission).

Allele frequency attached by ClinVar (database versions not stated): gnomAD 0.00043 and 0.00044; TOPMed 0.00044.

Submission:

GeneDx
Classification: Likely benign. Last evaluated: 2018-03-14. Review status: criteria provided, single submitter. Criteria: GeneDx Variant Classification (06012015). Collection method: clinical testing. Allele origin: germline. Affected: yes.
Comment: This variant is considered likely benign or benign based on one or more of the following criteria: it is a conservative change, it occurs at a poorly conserved position in the protein, it is predicted to be benign by multiple in silico algorithms, and/or has population frequency not consistent with disease.

NM_001278716.2(FBXL4):c.-79A>G

Gene: FBXL4 (F-box and leucine rich repeat protein 4; minus strand). Cytogenetic location: 6q16.2.
Variant type: single nucleotide variant.
Coding change: c.-79A>G on transcript NM_001278716.2 (MANE Select); 79 bases upstream of the start codon, A replaced by G.
Molecular consequence: 5 prime UTR variant. On other transcripts: non-coding transcript variant (2).
Genome position (GRCh38, 1-based): chr6:98,927,711, T>C on the plus strand (A>G on the coding strand, the complement: FBXL4 is on the minus strand). VCF-style: chr6-98927711-T-C. GRCh37 (hg19) VCF-style: chr6-99375587-T-C.
Other names: c.-79A>G (NM_012160.5).
Identifiers: ClinVar variation 675564 (VCV000675564.1), dbSNP rs574428980, ClinGen allele CA143889442.